The following is an entry in ClinVar:

NM_002336.3(LRP6):c.1184A>G (p.Gln395Arg)

Gene: LRP6 (LDL receptor related protein 6; minus strand). Cytogenetic location: 12p13.2.
Variant type: single nucleotide variant.
Coding change: c.1184A>G on transcript NM_002336.3 (MANE Select); coding-DNA position 1184, A replaced by G.
Protein change: p.Gln395Arg; replaces glutamine 395 with arginine.
Molecular consequence: missense variant.
Genome position (GRCh38, 1-based): chr12:12,181,232, T>C on the plus strand (A>G on the coding strand, the complement: LRP6 is on the minus strand). VCF-style: chr12-12181232-T-C. GRCh37 (hg19) VCF-style: chr12-12334166-T-C.
Other names: c.1184A>G (NM_002336.2); short protein forms Q395R.
Identifiers: ClinVar variation 1477797 (VCV001477797.7), dbSNP rs770144542, ClinGen allele CA6455716.

ClinVar aggregate classification (germline): Uncertain significance. Review status: criteria provided, multiple submitters, no conflicts (2 of 4 stars). 2 submissions from 2 submitters: Uncertain significance (2). Last evaluated 2025-09-02.

Conditions:
Inborn genetic diseases. Identifiers: MedGen C0950123, MeSH D030342.

Allele frequency attached by ClinVar (database versions not stated): TOPMed below 0.00001; gnomAD 0.00001; gnomAD exomes 0.00001 and 0.00007; ExAC 0.00004.
gnomAD v4.1: 24 of 1,614,038 alleles (0.0015%); highest among the groups gnomAD compares: Admixed American, 0.03%; no homozygotes.

Submissions (2):

Labcorp Genetics (formerly Invitae), Labcorp
Classification: Uncertain significance. Last evaluated: 2025-09-02. Review status: criteria provided, single submitter. Criteria: Invitae Variant Classification Sherloc (09022015). Collection method: clinical testing. Allele origin: germline.
Comment: This sequence change replaces glutamine, which is neutral and polar, with arginine, which is basic and polar, at codon 395 of the LRP6 protein (p.Gln395Arg). This variant is present in population databases (rs770144542, gnomAD 0.04%), and has an allele count higher than expected for a pathogenic variant. This variant has not been reported in the literature in individuals affected with LRP6-related conditions. ClinVar contains an entry for this variant (Variation ID: 1477797). Invitae Evidence Modeling of protein sequence and biophysical properties (such as structural, functional, and spatial information, amino acid conservation, physicochemical variation, residue mobility, and thermodynamic stability) indicates that this missense variant is not expected to disrupt LRP6 protein function with a negative predictive value of 80%. In summary, the available evidence is currently insufficient to determine the role of this variant in disease. Therefore, it has been classified as a Variant of Uncertain Significance.

Ambry Genetics
Classification: Uncertain significance for Inborn genetic diseases. Last evaluated: 2025-03-19. Review status: criteria provided, single submitter. Criteria: Ambry Variant Classification Scheme 2023. Collection method: clinical testing. Allele origin: germline.